The following is an entry in ClinVar:

ClinVar aggregate classification (germline): Likely benign (1 of 4 stars; one submission).

Allele frequency attached by ClinVar (database versions not stated): gnomAD exomes 0.00070; 1000 Genomes Project 0.00719; gnomAD 0.00993; 1000 Genomes Project 30x 0.01031.
gnomAD v4.1: 2,006 of 900,606 alleles (0.22%); highest among the groups gnomAD compares: African/African-American, 3.4%; 32 homozygotes.

Submission:

GeneDx
Classification: Likely benign. Last evaluated: 2021-04-25. Review status: criteria provided, single submitter. Criteria: GeneDx Variant Classification Process June 2021. Collection method: clinical testing. Allele origin: germline. Affected: yes.
Comment: See Variant Classification Assertion Criteria.

NM_001040167.2(LFNG):c.-74C>G

Genes: LFNG (LFNG O-fucosylpeptide 3-beta-N-acetylglucosaminyltransferase; plus strand), LOC129997822 (ATAC-STARR-seq lymphoblastoid silent region 17875; plus strand). Cytogenetic location: 7p22.3.
Variant type: single nucleotide variant.
Coding change: c.-74C>G on transcript NM_001040167.2 (MANE Select); 74 bases upstream of the start codon, C replaced by G.
Molecular consequence: 5 prime UTR variant. On other transcripts: intron variant (2).
Genome position (GRCh38, 1-based): chr7:2,519,788, C>G. VCF-style: chr7-2519788-C-G. GRCh37 (hg19) VCF-style: chr7-2559422-C-G.
Other names: c.-74C>G (NM_001040168.2); c.220-4907C>G (NM_001166355.2); c.45+1190C>G (NM_002304.3).
Identifiers: ClinVar variation 1706904 (VCV001706904.2), dbSNP rs532218283, ClinGen allele CA152639933.